The following is an entry in ClinVar:

NM_000094.4(COL7A1):c.5261del (p.Pro1754fs)

Gene: COL7A1 (collagen type VII alpha 1 chain; minus strand). Cytogenetic location: 3p21.31.
Variant type: Deletion.
Coding change: c.5261del on transcript NM_000094.4 (MANE Select); coding-DNA position 5261, one base deleted (C; older notation c.5261delC).
Protein change: p.Pro1754fs; shifts the reading frame from proline 1754.
Molecular consequence: frameshift variant.
Genome position (GRCh38, 1-based): chr3:48,579,490, G deleted on the plus strand (C on the coding strand, the reverse complement: COL7A1 is on the minus strand); the first of 5 consecutive G bases (chr3:48,579,490-48,579,494); deleting any one gives the same sequence. VCF-style (leftmost placement, unchanged base first): chr3-48579489-TG-T. GRCh37 (hg19) VCF-style: chr3-48616922-TG-T.
Other names: short protein forms P1754fs.
Identifiers: ClinVar variation 1691736 (VCV001691736.3), dbSNP rs1057517723, ClinGen allele CA1363075178.
Genomic context (GRCh38, chr3:48,579,489, plus strand): 5'-AGGTGAGGGTAAGATGGGGACTTGGCAGACGGGGCAAAGTGCATCACTCACCTGTGGGCC[TG>T]GGGGTCCCCGAAACCCTTCAATGCCCTGAGGATAGGGGAGGAAGAAATCAGAGCAGGCCC-3'

ClinVar aggregate classification (germline): Pathogenic (1 of 4 stars; one submission).

Submission:

GeneDx
Classification: Pathogenic. Last evaluated: 2023-06-05. Review status: criteria provided, single submitter. Criteria: GeneDx Variant Classification Process June 2021. Collection method: clinical testing. Allele origin: germline. Affected: yes.
Comment: Has not been previously published as pathogenic or benign to our knowledge; Frameshift variant predicted to result in protein truncation or nonsense mediated decay in a gene for which loss-of-function is a known mechanism of disease; Not observed in large population cohorts (gnomAD)